The following is an entry in ClinVar:

NM_001173464.2(KIF21A):c.2093A>G (p.Gln698Arg)

Gene: KIF21A (kinesin family member 21A; minus strand). Cytogenetic location: 12q12.
Variant type: single nucleotide variant.
Coding change: c.2093A>G on transcript NM_001173464.2 (MANE Select); coding-DNA position 2093, A replaced by G.
Protein change: p.Gln698Arg; replaces glutamine 698 with arginine.
Molecular consequence: missense variant.
Genome position (GRCh38, 1-based): chr12:39,340,923, T>C on the plus strand (A>G on the coding strand, the complement: KIF21A is on the minus strand). VCF-style: chr12-39340923-T-C. GRCh37 (hg19) VCF-style: chr12-39734725-T-C.
Other names: c.2054A>G, p.Gln685Arg (NM_001173463.2, NM_001173465.2, NM_017641.4); c.2093A>G (NM_001173464.1); short protein forms Q685R, Q698R.
Identifiers: ClinVar variation 739197 (VCV000739197.7), dbSNP rs762918844, ClinGen allele CA6510883.
Genomic context (GRCh38, chr12:39,340,923, plus strand): 5'-AGATTTAGCTTGAACTTTCATTTGAATTAAATATAATTCTTACCTAAGTTTTGAAGCACC[T>C]GGTCTCTTTCAAGCTGAGTATCCCGAATTTTATGTTGCAGCATCATTAGCTTCTCTTCAT-3'
Protein context (NP_001166935.1, residues 688-708): KIRDTQLERD[Gln698Arg]VLQNLGSVES

ClinVar aggregate classification (germline): Conflicting classifications of pathogenicity. Review status: criteria provided, conflicting classifications (1 of 4 stars). 3 submissions from 3 submitters: Uncertain significance (1); Likely benign (1). 1 of the submissions does not count toward it. Last evaluated 2025-09-05.

Conditions:
KIF21A-related disorder. Also called: KIF21A-related condition.
Inborn genetic diseases. Identifiers: MedGen C0950123, MeSH D030342.

Allele frequency attached by ClinVar (database versions not stated): gnomAD 0.00005 and 0.00006; gnomAD exomes 0.00009 and 0.00048; TOPMed 0.00030; ExAC 0.00041.
gnomAD v4.1: 141 of 1,610,818 alleles (0.0088%); highest among the groups gnomAD compares: Admixed American, 0.23%; 1 homozygote.

Submissions (3):

Ambry Genetics
Classification: Uncertain significance for Inborn genetic diseases. Last evaluated: 2025-09-05. Review status: criteria provided, single submitter. Criteria: Ambry Variant Classification Scheme 2023. Collection method: clinical testing. Allele origin: germline.

Labcorp Genetics (formerly Invitae), Labcorp
Classification: Likely benign. Last evaluated: 2019-12-31. Review status: criteria provided, single submitter. Criteria: Invitae Variant Classification Sherloc (09022015). Collection method: clinical testing. Allele origin: germline.

PreventionGenetics, part of Exact Sciences
Classification: Likely benign for KIF21A-related condition. Last evaluated: 2020-02-27. Review status: no assertion criteria provided. Collection method: clinical testing. Allele origin: germline. Not counted in ClinVar's aggregate classification.
Comment: This variant is classified as likely benign based on ACMG/AMP sequence variant interpretation guidelines (Richards et al. 2015 PMID: 25741868, with internal and published modifications).